The following is an entry in ClinVar:

NM_004463.3(FGD1):c.241C>G (p.Pro81Ala)

Gene: FGD1 (FYVE, RhoGEF and PH domain containing 1; minus strand). Cytogenetic location: Xp11.22.
Variant type: single nucleotide variant.
Coding change: c.241C>G on transcript NM_004463.3 (MANE Select); coding-DNA position 241, C replaced by G.
Protein change: p.Pro81Ala; replaces proline 81 with alanine.
Molecular consequence: missense variant.
Genome position (GRCh38, 1-based): chrX:54,495,192, G>C on the plus strand (C>G on the coding strand, the complement: FGD1 is on the minus strand). VCF-style: chrX-54495192-G-C. GRCh37 (hg19) VCF-style: chrX-54521625-G-C.
Other names: short protein forms P81A.
Identifiers: ClinVar variation 3344111 (VCV003344111.1).

ClinVar aggregate classification (germline): Uncertain significance (0 of 4 stars; one submission).

Conditions:
FGD1-related disorder. Also called: FGD1-related condition; FGD1-related disorders.

Submission:

PreventionGenetics, part of Exact Sciences
Classification: Uncertain significance for FGD1-related condition. Last evaluated: 2024-05-29. Review status: no assertion criteria provided. Collection method: clinical testing. Allele origin: germline.
Comment: The FGD1 c.241C>G variant is predicted to result in the amino acid substitution p.Pro81Ala. To our knowledge, this variant has not been reported in the literature or in a large population database, indicating this variant is rare. At this time, the clinical significance of this variant is uncertain due to the absence of conclusive functional and genetic evidence.